The following is an entry in ClinVar:

ClinVar aggregate classification (germline): Uncertain significance (1 of 4 stars; one submission).

Allele frequency attached by ClinVar (database versions not stated): gnomAD exomes 0.00001 and 0.00002; TOPMed 0.00001; ExAC 0.00002; gnomAD 0.00002.
gnomAD v4.1: 22 of 1,613,544 alleles (0.0014%); highest among the groups gnomAD compares: Admixed American, 0.0083%; no homozygotes.

Submission:

Labcorp Genetics (formerly Invitae), Labcorp
Classification: Uncertain significance. Last evaluated: 2023-08-04. Review status: criteria provided, single submitter. Criteria: Invitae Variant Classification Sherloc (09022015). Collection method: clinical testing. Allele origin: germline.
Comment: This sequence change replaces asparagine, which is neutral and polar, with serine, which is neutral and polar, at codon 883 of the TTLL5 protein (p.Asn883Ser). This variant is present in population databases (rs752768188, gnomAD 0.01%). This variant has not been reported in the literature in individuals affected with TTLL5-related conditions. ClinVar contains an entry for this variant (Variation ID: 1044209). Advanced modeling of protein sequence and biophysical properties (such as structural, functional, and spatial information, amino acid conservation, physicochemical variation, residue mobility, and thermodynamic stability) performed at Invitae indicates that this missense variant is not expected to disrupt TTLL5 protein function. In summary, the available evidence is currently insufficient to determine the role of this variant in disease. Therefore, it has been classified as a Variant of Uncertain Significance.

NM_015072.5(TTLL5):c.2648A>G (p.Asn883Ser)

Gene: TTLL5 (tubulin tyrosine ligase like 5; plus strand). Cytogenetic location: 14q24.3.
Variant type: single nucleotide variant.
Coding change: c.2648A>G on transcript NM_015072.5 (MANE Select); coding-DNA position 2648, A replaced by G.
Protein change: p.Asn883Ser; replaces asparagine 883 with serine.
Molecular consequence: missense variant.
Genome position (GRCh38, 1-based): chr14:75,783,192, A>G. VCF-style: chr14-75783192-A-G. GRCh37 (hg19) VCF-style: chr14-76249535-A-G.
Other names: short protein forms N883S.
Identifiers: ClinVar variation 1044209 (VCV001044209.6), dbSNP rs752768188, ClinGen allele CA7279791.